The following is an entry in ClinVar:

ClinVar aggregate classification (germline): Uncertain significance. Review status: criteria provided, multiple submitters, no conflicts (2 of 4 stars). 2 submissions from 2 submitters: Uncertain significance (2). Last evaluated 2025-12-22.

Conditions:
Cardiovascular phenotype. Identifiers: MedGen CN230736.

Allele frequency attached by ClinVar (database versions not stated): TOPMed below 0.00001; ExAC 0.00001; gnomAD exomes 0.00001.
gnomAD v4.1: 6 of 1,613,936 alleles (0.00037%); highest among the groups gnomAD compares: Non-Finnish European, 0.00051%; no homozygotes.

Submissions (2):

Labcorp Genetics (formerly Invitae), Labcorp
Classification: Uncertain significance. Last evaluated: 2025-12-22. Review status: criteria provided, single submitter. Criteria: Invitae Variant Classification Sherloc (09022015). Collection method: clinical testing. Allele origin: germline.
Comment: This sequence change replaces isoleucine, which is neutral and non-polar, with threonine, which is neutral and polar, at codon 1704 of the ALPK3 protein (p.Ile1704Thr). This variant is present in population databases (rs772476697, gnomAD 0.004%). This variant has not been reported in the literature in individuals affected with ALPK3-related conditions. ClinVar contains an entry for this variant (Variation ID: 2418140). Invitae Evidence Modeling of protein sequence and biophysical properties (such as structural, functional, and spatial information, amino acid conservation, physicochemical variation, residue mobility, and thermodynamic stability) indicates that this missense variant is expected to disrupt ALPK3 protein function with a positive predictive value of 80%. In summary, the available evidence is currently insufficient to determine the role of this variant in disease. Therefore, it has been classified as a Variant of Uncertain Significance.

Ambry Genetics
Classification: Uncertain significance for Cardiovascular phenotype. Last evaluated: 2025-12-02. Review status: criteria provided, single submitter. Criteria: Ambry Variant Classification Scheme 2023. Collection method: clinical testing. Allele origin: germline.

NM_020778.5(ALPK3):c.4505T>C (p.Ile1502Thr)

Gene: ALPK3 (alpha kinase 3; plus strand). Cytogenetic location: 15q25.3.
Variant type: single nucleotide variant.
Coding change: c.4505T>C on transcript NM_020778.5 (MANE Select); coding-DNA position 4505, T replaced by C.
Protein change: p.Ile1502Thr; replaces isoleucine 1502 with threonine.
Molecular consequence: missense variant.
Genome position (GRCh38, 1-based): chr15:84,864,447, T>C. VCF-style: chr15-84864447-T-C. GRCh37 (hg19) VCF-style: chr15-85407678-T-C.
Other names: c.5111T>C (NM_020778.4); short protein forms I1502T.
Identifiers: ClinVar variation 2418140 (VCV002418140.9), dbSNP rs772476697, ClinGen allele CA7710013.